The following is an entry in ClinVar:

ClinVar aggregate classification (germline): Uncertain significance (1 of 4 stars; one submission).

Conditions:
Mowat-Wilson syndrome (MOWS). Also called: Classic Mowat-Wilson Syndrome. Identifiers: Orphanet 2152, MedGen C1856113, MONDO:0009341, OMIM 235730.

Submission:

Labcorp Genetics (formerly Invitae), Labcorp
Classification: Uncertain significance for Mowat-Wilson syndrome. Last evaluated: 2024-02-12. Review status: criteria provided, single submitter. Criteria: Invitae Variant Classification Sherloc (09022015). Collection method: clinical testing. Allele origin: germline.
Comment: This sequence change replaces phenylalanine, which is neutral and non-polar, with leucine, which is neutral and non-polar, at codon 1064 of the ZEB2 protein (p.Phe1064Leu). This variant is not present in population databases (gnomAD no frequency). This variant has not been reported in the literature in individuals affected with ZEB2-related conditions. Advanced modeling of protein sequence and biophysical properties (such as structural, functional, and spatial information, amino acid conservation, physicochemical variation, residue mobility, and thermodynamic stability) performed at Invitae indicates that this missense variant is expected to disrupt ZEB2 protein function with a positive predictive value of 80%. In summary, the available evidence is currently insufficient to determine the role of this variant in disease. Therefore, it has been classified as a Variant of Uncertain Significance.

NM_014795.4(ZEB2):c.3192C>A (p.Phe1064Leu)

Gene: ZEB2 (zinc finger E-box binding homeobox 2; minus strand). Cytogenetic location: 2q22.3.
Variant type: single nucleotide variant.
Coding change: c.3192C>A on transcript NM_014795.4 (MANE Select); coding-DNA position 3192, C replaced by A.
Protein change: p.Phe1064Leu; replaces phenylalanine 1064 with leucine.
Molecular consequence: missense variant.
Genome position (GRCh38, 1-based): chr2:144,389,904, G>T on the plus strand (C>A on the coding strand, the complement: ZEB2 is on the minus strand). VCF-style: chr2-144389904-G-T. GRCh37 (hg19) VCF-style: chr2-145147471-G-T.
Other names: c.3120C>A, p.Phe1040Leu (NM_001171653.2); short protein forms F1040L, F1064L.
Identifiers: ClinVar variation 3640390 (VCV003640390.2).